The following is an entry in ClinVar:

ClinVar aggregate classification (germline): Pathogenic. Review status: criteria provided, multiple submitters, no conflicts (2 of 4 stars). 5 submissions from 5 submitters: Pathogenic (5). Last evaluated 2024-02-13.

Conditions:
Progressive sclerosing poliodystrophy (MTDPS4A). Also called: Alpers-Huttenlocher Syndrome (AHS); Alpers Syndrome; ALPERS PROGRESSIVE INFANTILE POLIODYSTROPHY; Mitochondrial DNA depletion syndrome 4A (Alpers type); ALPERS DIFFUSE DEGENERATION OF CEREBRAL GRAY MATTER WITH HEPATIC CIRRHOSIS; Alpers-Huttenlocher Syndrome. Identifiers: Orphanet 726, MedGen C0205710, MONDO:0008758, OMIM 203700.

gnomAD v4.1: 1 of 1,613,964 alleles (0.000062%); highest among the groups gnomAD compares: Non-Finnish European, 0.000085%; no homozygotes.

Submissions (5):

Mayo Clinic Laboratories, Mayo Clinic
Classification: Pathogenic. Last evaluated: 2024-02-13. Review status: criteria provided, single submitter. Criteria: ACMG Guidelines, 2015. Collection method: clinical testing. Allele origin: germline. Observed: 2 variant alleles.
Comment: PP1, PP3, PM2, PM5, PS3, PS4

Baylor Genetics
Classification: Pathogenic for Progressive sclerosing poliodystrophy. Last evaluated: 2023-04-09. Review status: criteria provided, single submitter. Criteria: ACMG Guidelines, 2015. Collection method: clinical testing. Allele origin: unknown.

Labcorp Genetics (formerly Invitae), Labcorp
Classification: Pathogenic for Progressive sclerosing poliodystrophy. Last evaluated: 2019-12-11. Review status: criteria provided, single submitter. Criteria: Invitae Variant Classification Sherloc (09022015). Collection method: clinical testing. Allele origin: germline.
Comment: For these reasons, this variant has been classified as Pathogenic. This variant has been reported to affect POLG protein function (PMID: 15258572). This variant has been observed in individual(s) with autosomal dominant progressive external ophthalmoplegia (PMID: 12210792, 23719791, 19578034). It has also been observed to segregate with disease in related individuals. ClinVar contains an entry for this variant (Variation ID: 619302). This variant is not present in population databases (ExAC no frequency). This sequence change replaces arginine with histidine at codon 943 of the POLG protein (p.Arg943His). The arginine residue is highly conserved and there is a small physicochemical difference between arginine and histidine.

Athena Diagnostics
Classification: Pathogenic. Last evaluated: 2019-06-25. Review status: criteria provided, single submitter. Criteria: Athena Diagnostics Criteria. Collection method: clinical testing. Allele origin: germline.
Comment: Not found in the total gnomAD dataset, and the data is high quality (0/282556 chr). Found in at least one symptomatic patient. Predicted to have a damaging effect on the protein. Damaging to protein function(s) relevant to disease mechanism. Statistically associated with disease in multiple families (p < 0.05).

Wong Mito Lab, Molecular and Human Genetics, Baylor College of Medicine
Classification: Pathogenic for Progressive sclerosing poliodystrophy. Last evaluated: 2018-10-01. Review status: criteria provided, single submitter. Criteria: ACMG Guidelines, 2015. Collection method: clinical testing. Allele origin: germline.
Comment: The NM_002693.2:c.2828G>A (NP_002684.1:p.Arg943His) [GRCH38: NC_000015.10:g.89320919C>T] variant in POLG gene is interpretated to be a Pathogenic based on ACMG guidelines (PMID: 25741868). This variant has been reported in PMID:16368709 ; 19578034 . This variant meets the following evidence codes reported in the ACMG-guideline. PS1:This variation causes same amino-acid change as an established pathogenic variant. PS3:Well established functional studies show a deleterious effect on POLG. PM2:This variant is absent in key population databases. PM3:Detected in trans with a pathogenic variant for Mitochondrial DNA depletion syndrome 4A (Alpers type) which is a recessive disorder. PP1:This variant is co-segregated with Mitochondrial DNA depletion syndrome 4A (Alpers type) in multiple affected family members. PP4:Patient's phenotype or family history is highly specific for POLG. Based on the evidence criteria codes applied, the variant is suggested to be Pathogenic.

Literature cited by the submitters: PubMed 12210792 (cited by 3 submitters); PubMed 15258572 (cited by 3 submitters); PubMed 16368709 (cited by 3 submitters); PubMed 19578034 (cited by 4 submitters); PubMed 20701905 (cited by Mayo Clinic Laboratories, Mayo Clinic and Athena Diagnostics); PubMed 23719791 (cited by 3 submitters); PubMed 29474836 (cited by Mayo Clinic Laboratories, Mayo Clinic and Athena Diagnostics); PubMed 22552686 (cited by Athena Diagnostics); PubMed 29950568 (cited by Athena Diagnostics); PubMed 24508722 (cited by Athena Diagnostics); PubMed 19837034 (cited by Athena Diagnostics); PubMed 14557557 (cited by Athena Diagnostics).

NM_002693.3(POLG):c.2828G>A (p.Arg943His)

Gene: POLG (DNA polymerase gamma, catalytic subunit; minus strand). Cytogenetic location: 15q26.1.
Variant type: single nucleotide variant.
Coding change: c.2828G>A on transcript NM_002693.3 (MANE Select); coding-DNA position 2828, G replaced by A.
Protein change: p.Arg943His; replaces arginine 943 with histidine.
Molecular consequence: missense variant.
Genome position (GRCh38, 1-based): chr15:89,320,919, C>T on the plus strand (G>A on the coding strand, the complement: POLG is on the minus strand). VCF-style: chr15-89320919-C-T. GRCh37 (hg19) VCF-style: chr15-89864150-C-T.
Other names: p.Arg943His; c.2828G>A, p.Arg943His (NM_001126131.2); short protein forms R943H.
Identifiers: ClinVar variation 619302 (VCV000619302.14), dbSNP rs1567186613, ClinGen allele CA10602243.